The following is an entry in ClinVar:

ClinVar aggregate classification (germline): Uncertain significance (1 of 4 stars; one submission).

Conditions:
Long QT syndrome (LQTS). Identifiers: MedGen C0023976, MeSH D008133, MONDO:0002442. Disease mechanism: loss of function. Inheritance: Various modes of inheritance.

Submission:

Labcorp Genetics (formerly Invitae), Labcorp
Classification: Uncertain significance for Long QT syndrome. Last evaluated: 2023-06-06. Review status: criteria provided, single submitter. Criteria: Invitae Variant Classification Sherloc (09022015). Collection method: clinical testing. Allele origin: germline.
Comment: In summary, the available evidence is currently insufficient to determine the role of this variant in disease. Therefore, it has been classified as a Variant of Uncertain Significance. Algorithms developed to predict the effect of missense changes on protein structure and function output the following: SIFT: "Not Available"; PolyPhen-2: "Benign"; Align-GVGD: "Not Available". The valine amino acid residue is found in multiple mammalian species, which suggests that this missense change does not adversely affect protein function. This variant has not been reported in the literature in individuals affected with AKAP9-related conditions. This variant is not present in population databases (gnomAD no frequency). This sequence change replaces methionine, which is neutral and non-polar, with valine, which is neutral and non-polar, at codon 65 of the AKAP9 protein (p.Met65Val).

NM_005751.5(AKAP9):c.193A>G (p.Met65Val)

Gene: AKAP9 (A-kinase anchoring protein 9; plus strand). Cytogenetic location: 7q21.2.
Variant type: single nucleotide variant.
Coding change: c.193A>G on transcript NM_005751.5 (MANE Select); coding-DNA position 193, A replaced by G.
Protein change: p.Met65Val; replaces methionine 65 with valine.
Molecular consequence: missense variant.
Genome position (GRCh38, 1-based): chr7:91,973,855, A>G. VCF-style: chr7-91973855-A-G. GRCh37 (hg19) VCF-style: chr7-91603169-A-G.
Other names: c.193A>G, p.Met65Val (NM_147185.3); short protein forms M65V.
Identifiers: ClinVar variation 2693759 (VCV002693759.3), dbSNP rs2484598947, ClinGen allele CA368118668.